The following is an entry in ClinVar:

NM_004369.4(COL6A3):c.6312C>T (p.Gly2104=)

Genes: COL6A3 (collagen type VI alpha 3 chain; minus strand), LOC122889011 (Sharpr-MPRA regulatory region 1020; plus strand). Cytogenetic location: 2q37.3.
Variant type: single nucleotide variant.
Coding change: c.6312C>T on transcript NM_004369.4 (MANE Select); coding-DNA position 6312, C replaced by T.
Protein change: p.Gly2104=; no amino-acid change (glycine 2104 retained).
Molecular consequence: synonymous variant.
Genome position (GRCh38, 1-based): chr2:237,359,248, G>A on the plus strand (C>T on the coding strand, the complement: COL6A3 is on the minus strand). VCF-style: chr2-237359248-G-A. GRCh37 (hg19) VCF-style: chr2-238267891-G-A.
Other names: c.4491C>T, p.Gly1497= (NM_057166.5); c.5694C>T, p.Gly1898= (NM_057167.4).
Identifiers: ClinVar variation 284872 (VCV000284872.38), dbSNP rs377074792, ClinGen allele CA2188338.

ClinVar aggregate classification (germline): Conflicting classifications of pathogenicity. Review status: criteria provided, conflicting classifications (1 of 4 stars). 3 submissions from 3 submitters: Uncertain significance (1); Likely benign (2). Last evaluated 2025-11-04.

Conditions:
Bethlem myopathy 1A. Also called: Bethlem myopathy 1; Bethlem Muscular Dystrophy; MYOPATHY, BENIGN CONGENITAL, WITH CONTRACTURES. Identifiers: Orphanet 610, MedGen CN029274, MONDO:0024530, OMIM 158810.

Allele frequency attached by ClinVar (database versions not stated): ExAC 0.00001; gnomAD 0.00004; TOPMed 0.00006; ESP Exome Variant Server 0.00008.
gnomAD v4.1: 60 of 1,614,048 alleles (0.0037%); highest among the groups gnomAD compares: African/African-American, 0.0053%; no homozygotes.

Submissions (4):

Labcorp Genetics (formerly Invitae), Labcorp
Classification: Likely benign for Bethlem myopathy 1A. Last evaluated: 2025-11-04. Review status: criteria provided, single submitter. Criteria: Invitae Variant Classification Sherloc (09022015). Collection method: clinical testing. Allele origin: germline.

CeGaT Center for Human Genetics Tuebingen
Classification: Likely benign. Last evaluated: 2023-03-01. Review status: criteria provided, single submitter. Criteria: CeGaT Center For Human Genetics Tuebingen Variant Classification Criteria Version 2. Collection method: clinical testing. Allele origin: germline. Affected: yes. Observed: 1 variant allele.
Comment: COL6A3: BP4, BP7

Eurofins Ntd Llc (ga)
Classification: Uncertain significance. Last evaluated: 2017-04-06. Review status: criteria provided, single submitter. Criteria: EGL Classification Definitions 2015. Collection method: clinical testing. Allele origin: germline. Observed: 3 variant alleles, 3 heterozygotes.

Dr. Peter K. Rogan Lab, Western University
No classification provided (evidence only). Condition: Colon adenocarcinoma. Review status: no classification provided. Collection method: in vitro. Allele origin: not applicable. Functional consequence: retained intron. Not counted in ClinVar's aggregate classification.